The following is an entry in ClinVar:

ClinVar aggregate classification (germline): Uncertain significance. Review status: criteria provided, multiple submitters, no conflicts (2 of 4 stars). 2 submissions from 2 submitters: Uncertain significance (2). Last evaluated 2026-06-26.

Conditions:
TTN-related disorder. Also called: TTN-related condition; TTN-related disease; TTN-related disorders.
Cardiovascular phenotype. Identifiers: MedGen CN230736.

Allele frequency attached by ClinVar (database versions not stated): gnomAD exomes below 0.00001; ExAC 0.00001; gnomAD 0.00003 and 0.00004; TOPMed 0.00003.
gnomAD v4.1: 10 of 1,614,060 alleles (0.00062%); highest among the groups gnomAD compares: African/African-American, 0.0067%; no homozygotes.

Submissions (2):

PreventionGenetics, part of Exact Sciences
Classification: Uncertain significance for TTN-related condition. Last evaluated: 2026-06-26. Review status: criteria provided, single submitter. Criteria: ACMG Guidelines, 2015. Collection method: clinical testing. Allele origin: germline.
Comment: The TTN c.1370C>T variant is predicted to result in the amino acid substitution p.Ala457Val. To our knowledge, this variant has not been reported in the literature. This variant is reported in 0.012% of alleles in individuals of African descent in gnomAD. At this time, the clinical significance of this variant is uncertain due to the absence of conclusive functional and genetic evidence.

Ambry Genetics
Classification: Uncertain significance for Cardiovascular phenotype. Last evaluated: 2017-04-20. Review status: criteria provided, single submitter. Criteria: Ambry Variant Classification Scheme 2023. Collection method: clinical testing. Allele origin: germline.
Comment: The p.A457V variant (also known as c.1370C>T), located in coding exon 7 of the TTN gene, results from a C to T substitution at nucleotide position 1370. The alanine at codon 457 is replaced by valine, an amino acid with similar properties. This amino acid position is highly conserved in available vertebrate species. In addition, the in silico prediction for this alteration is inconclusive. Since supporting evidence is limited at this time, the clinical significance of this alteration remains unclear.

NM_001267550.2(TTN):c.1370C>T (p.Ala457Val)

Gene: TTN (titin; minus strand). Cytogenetic location: 2q31.2.
Variant type: single nucleotide variant.
Coding change: c.1370C>T on transcript NM_001267550.2 (MANE Select); coding-DNA position 1370, C replaced by T.
Protein change: p.Ala457Val; replaces alanine 457 with valine.
Molecular consequence: missense variant.
Genome position (GRCh38, 1-based): chr2:178,794,427, G>A on the plus strand (C>T on the coding strand, the complement: TTN is on the minus strand). VCF-style: chr2-178794427-G-A. GRCh37 (hg19) VCF-style: chr2-179659154-G-A.
Other names: c.1370C>T, p.Ala457Val (NM_001256850.1, NM_133378.4, NM_133379.5 and 3 more transcripts); short protein forms A457V.
Identifiers: ClinVar variation 519165 (VCV000519165.6), dbSNP rs780402263, ClinGen allele CA2006074.
Genomic context (GRCh38, chr2:178,794,427, plus strand): 5'-CTGCGGGTGCCCCATGGCAGCCTCGCACGTACCTGTTCTTGAGCAGGTTGGATGTGCACA[G>A]CAGTCGTGGTTGTCCTCTGAGCAGTCTGCTCTACAGCGCTGATCACTGGTTCTCTCACTC-3'
Protein context (NP_001254479.2, residues 447-467): EQTAQRTTTT[Ala457Val]VHIQPAQEQV